The following is an entry in ClinVar:

NM_000452.3(SLC10A2):c.917G>A (p.Gly306Glu)

Gene: SLC10A2 (solute carrier family 10 member 2; minus strand). Cytogenetic location: 13q33.1.
Variant type: single nucleotide variant.
Coding change: c.917G>A on transcript NM_000452.3 (MANE Select); coding-DNA position 917, G replaced by A.
Protein change: p.Gly306Glu; replaces glycine 306 with glutamic acid.
Molecular consequence: missense variant.
Genome position (GRCh38, 1-based): chr13:103,049,291, C>T on the plus strand (G>A on the coding strand, the complement: SLC10A2 is on the minus strand). VCF-style: chr13-103049291-C-T. GRCh37 (hg19) VCF-style: chr13-103701641-C-T.
Other names: short protein forms G306E.
Identifiers: ClinVar variation 2076696 (VCV002076696.4), dbSNP rs561797796, ClinGen allele CA7041994.
Genomic context (GRCh38, chr13:103,049,291, plus strand): 5'-TAGCAACTCCAGGATTTTTCAAAGATTATCATGAAATGGGATTGGCATGATTCCTTACAT[C>T]CTAAGAATATTGCGGCAAAGGCGAGCTGGAAAATGCTGTAGATGAGCGGGAAGGTGAATA-3'
Protein context (NP_000443.2, residues 296-316): FQLAFAAIFL[Gly306Glu]FYVAYKKCHG

ClinVar aggregate classification (germline): Uncertain significance (1 of 4 stars; one submission).

Allele frequency attached by ClinVar (database versions not stated): gnomAD exomes below 0.00001; TOPMed 0.00001.

Submission:

Labcorp Genetics (formerly Invitae), Labcorp
Classification: Uncertain significance. Last evaluated: 2023-12-23. Review status: criteria provided, single submitter. Criteria: Invitae Variant Classification Sherloc (09022015). Collection method: clinical testing. Allele origin: germline.
Comment: This sequence change replaces glycine, which is neutral and non-polar, with glutamic acid, which is acidic and polar, at codon 306 of the SLC10A2 protein (p.Gly306Glu). This variant is present in population databases (rs561797796, gnomAD 0.007%). This variant has not been reported in the literature in individuals affected with SLC10A2-related conditions. ClinVar contains an entry for this variant (Variation ID: 2076696). An algorithm developed to predict the effect of missense changes on protein structure and function (PolyPhen-2) suggests that this variant is likely to be tolerated. In summary, the available evidence is currently insufficient to determine the role of this variant in disease. Therefore, it has been classified as a Variant of Uncertain Significance.